The following is an entry in ClinVar:

NM_024675.4(PALB2):c.366T>C (p.Asp122=)

Gene: PALB2 (partner and localizer of BRCA2; minus strand). Cytogenetic location: 16p12.2.
Variant type: single nucleotide variant.
Coding change: c.366T>C on transcript NM_024675.4 (MANE Select); coding-DNA position 366, T replaced by C.
Protein change: p.Asp122=; no amino-acid change (aspartic acid 122 retained).
Molecular consequence: synonymous variant. On other transcripts: 5 prime UTR variant (8), intron variant (3).
Genome position (GRCh38, 1-based): chr16:23,636,180, A>G on the plus strand (T>C on the coding strand, the complement: PALB2 is on the minus strand). VCF-style: chr16-23636180-A-G. GRCh37 (hg19) VCF-style: chr16-23647501-A-G.
Other names: c.306T>C, p.Asp102= (NM_001407296.1); c.366T>C, p.Asp122= (NM_001407297.1, NM_001407298.1, NM_001407299.1 and 3 more transcripts); c.-520T>C (NM_001407304.1, NM_001407305.1, NM_001407306.1 and 5 more transcripts); c.48+4930T>C (NM_001407314.1); c.-105+4930T>C (NM_001407313.1, NM_001407312.1).
Identifiers: ClinVar variation 3903689 (VCV003903689.1).

ClinVar aggregate classification (germline): Benign (1 of 4 stars; one submission).

Conditions:
Familial cancer of breast. Also called: Hereditary breast cancer; hereditary breast carcinoma; BREAST CANCER, FAMILIAL. Identifiers: Orphanet 227535, MedGen C0346153, MONDO:0016419, OMIM 114480. Disease mechanism: loss of function.

Submission:

Myriad Genetics, Inc.
Classification: Benign for Familial cancer of breast. Last evaluated: 2025-01-10. Review status: criteria provided, single submitter. Criteria: Myriad Autosomal Dominant, Autosomal Recessive and X-Linked Classification Criteria (2023). Collection method: clinical testing. Allele origin: unknown.
Comment: This variant is considered benign. This variant is a silent/synonymous amino acid change and it is not expected to impact splicing.